The following is an entry in ClinVar:

ClinVar aggregate classification (germline): Benign/Likely benign. Review status: criteria provided, multiple submitters, no conflicts (2 of 4 stars). 6 submissions from 6 submitters: Benign (2); Likely benign (4). Last evaluated 2026-02-02.

Conditions:
Developmental and epileptic encephalopathy, 36 (DEE36). Also called: Epileptic encephalopathy, early infantile, 36; Congenital disorder of glycosylation, type Is; ALG13-CDG. Identifiers: Orphanet 324422, MedGen C4317295, MONDO:0010472, OMIM 300884.

Allele frequency attached by ClinVar (database versions not stated): gnomAD exomes 0.00003 and 0.00012; ExAC 0.00020; gnomAD 0.00046 and 0.00047; ESP Exome Variant Server 0.00049; TOPMed 0.00056.
gnomAD v4.1: 89 of 1,208,770 alleles (0.0074%); highest among the groups gnomAD compares: African/African-American, 0.13%; no homozygotes.

Submissions (6):

Labcorp Genetics (formerly Invitae), Labcorp
Classification: Benign for Developmental and epileptic encephalopathy, 36. Last evaluated: 2026-02-02. Review status: criteria provided, single submitter. Criteria: Invitae Variant Classification Sherloc (09022015). Collection method: clinical testing. Allele origin: germline.

CeGaT Center for Human Genetics Tuebingen
Classification: Likely benign. Last evaluated: 2025-11-01. Review status: criteria provided, single submitter. Criteria: CeGaT Center For Human Genetics Tuebingen Variant Classification Criteria Version 2. Collection method: clinical testing. Allele origin: germline. Affected: yes. Observed: 1 variant allele.
Comment: ALG13: BP4, BP7, BS2

Genome-Nilou Lab
Classification: Benign for Developmental and epileptic encephalopathy, 36. Last evaluated: 2021-12-05. Review status: criteria provided, single submitter. Criteria: ACMG Guidelines, 2015. Collection method: clinical testing. Allele origin: germline. Affected: no.

Fulgent Genetics
Classification: Likely benign for Developmental and epileptic encephalopathy, 36. Last evaluated: 2021-11-10. Review status: criteria provided, single submitter. Criteria: ACMG Guidelines, 2015. Collection method: clinical testing. Allele origin: unknown.

GeneDx
Classification: Likely benign. Last evaluated: 2020-09-01. Review status: criteria provided, single submitter. Criteria: GeneDx Variant Classification Process June 2021. Collection method: clinical testing. Allele origin: germline. Affected: yes.

Breakthrough Genomics
Classification: Likely benign. Review status: criteria provided, single submitter. Criteria: ACMG Guidelines, 2015. Collection method: not provided. Allele origin: germline. Inheritance: X-linked inheritance. Affected: yes.

NM_001099922.3(ALG13):c.3399A>G (p.Val1133=)

Gene: ALG13 (ALG13 UDP-N-acetylglucosaminyltransferase subunit; plus strand). Cytogenetic location: Xq23.
Variant type: single nucleotide variant.
Coding change: c.3399A>G on transcript NM_001099922.3 (MANE Select); coding-DNA position 3399, A replaced by G.
Protein change: p.Val1133=; no amino-acid change (valine 1133 retained).
Molecular consequence: synonymous variant. On other transcripts: non-coding transcript variant (1).
Genome position (GRCh38, 1-based): chrX:111,759,984, A>G. VCF-style: chrX-111759984-A-G. GRCh37 (hg19) VCF-style: chrX-111003212-A-G.
Other names: c.2850A>G, p.Val950= (NM_001257230.2, NM_001257234.2, NM_001257237.2); c.3165A>G, p.Val1055= (NM_001257231.2); c.3162A>G, p.Val1054= (NM_001324292.2); c.2676A>G, p.Val892= (NM_001324293.1).
Identifiers: ClinVar variation 512702 (VCV000512702.23), dbSNP rs372982045, ClinGen allele CA10494085.